The following is an entry in ClinVar:

ClinVar aggregate classification (germline): Benign/Likely benign. Review status: criteria provided, multiple submitters, no conflicts (2 of 4 stars). 2 submissions from 2 submitters: Benign (1); Likely benign (1). Last evaluated 2026-08-24.

Conditions:
ATP1A1-related disorder. Also called: ATP1A1-related condition.

Allele frequency attached by ClinVar (database versions not stated): gnomAD exomes 0.00009; gnomAD 0.00013; ExAC 0.00028; 1000 Genomes Project 0.00060; 1000 Genomes Project 30x 0.00062.
gnomAD v4.1: 151 of 1,614,168 alleles (0.0094%); highest among the groups gnomAD compares: East Asian, 0.28%; no homozygotes.

Submissions (2):

PreventionGenetics, part of Exact Sciences
Classification: Likely benign for ATP1A1-related condition. Last evaluated: 2026-08-24. Review status: criteria provided, single submitter. Criteria: ACMG Guidelines, 2015. Collection method: clinical testing. Allele origin: germline.
Comment: This variant is classified as likely benign based on ACMG/AMP sequence variant interpretation guidelines (Richards et al. 2015 PMID: 25741868, with internal and published modifications).

Labcorp Genetics (formerly Invitae), Labcorp
Classification: Benign. Last evaluated: 2026-01-19. Review status: criteria provided, single submitter. Criteria: Invitae Variant Classification Sherloc (09022015). Collection method: clinical testing. Allele origin: germline.

NM_000701.8(ATP1A1):c.546G>A (p.Ala182=)

Gene: ATP1A1 (ATPase Na+/K+ transporting subunit alpha 1; plus strand). Cytogenetic location: 1p13.1.
Variant type: single nucleotide variant.
Coding change: c.546G>A on transcript NM_000701.8 (MANE Select); coding-DNA position 546, G replaced by A.
Protein change: p.Ala182=; no amino-acid change (alanine 182 retained).
Molecular consequence: synonymous variant.
Genome position (GRCh38, 1-based): chr1:116,388,682, G>A. VCF-style: chr1-116388682-G-A. GRCh37 (hg19) VCF-style: chr1-116931304-G-A.
Other names: c.546G>A, p.Ala182= (NM_001160233.2); c.453G>A, p.Ala151= (NM_001160234.2); c.546G>A (NM_000701.7).
Identifiers: ClinVar variation 2175851 (VCV002175851.5), dbSNP rs184897904, ClinGen allele CA1025144.
Genomic context (GRCh38, chr1:116,388,682, plus strand): 5'-TGTTTCTTTTCCAAAGCAAGCCCTTGTGATTCGAAATGGTGAGAAAATGAGCATAAATGC[G>A]GAGGAAGTTGTGGTTGGGGATCTGGTGGAAGTAAAAGGAGGAGACCGAATTCCTGCTGAC-3'
Protein context (NP_000692.2, residues 172-192): IRNGEKMSIN[Ala182=]EEVVVGDLVE